The following is an entry in ClinVar:

ClinVar aggregate classification (germline): Conflicting classifications of pathogenicity. Review status: criteria provided, conflicting classifications (1 of 4 stars). 2 submissions from 2 submitters: Uncertain significance (1); Likely benign (1). Last evaluated 2025-09-15.

Conditions:
Primary ciliary dyskinesia. Also called: Ciliary dyskinesia. Identifiers: Orphanet 244, MedGen C0008780, MONDO:0016575, HP:0012265.

Allele frequency attached by ClinVar (database versions not stated): ExAC 0.00001; gnomAD 0.00001; gnomAD exomes 0.00001; TOPMed 0.00002.

Submissions (2):

Mayo Clinic Laboratories, Mayo Clinic
Classification: Likely benign. Last evaluated: 2025-09-15. Review status: criteria provided, single submitter. Criteria: ACMG Guidelines, 2015. Collection method: clinical testing. Allele origin: germline. Observed: 1 variant allele.
Comment: BP4, BP5, BP7, PM2_supporting

Labcorp Genetics (formerly Invitae), Labcorp
Classification: Uncertain significance for Primary ciliary dyskinesia. Last evaluated: 2022-02-19. Review status: criteria provided, single submitter. Criteria: Invitae Variant Classification Sherloc (09022015). Collection method: clinical testing. Allele origin: germline.
Comment: This sequence change falls in intron 52 of the DNAH8 gene. It does not directly change the encoded amino acid sequence of the DNAH8 protein. It affects a nucleotide within the consensus splice site. The frequency data for this variant in the population databases is considered unreliable, as metrics indicate poor data quality at this position in the gnomAD database. This variant has not been reported in the literature in individuals affected with DNAH8-related conditions. ClinVar contains an entry for this variant (Variation ID: 1054775). Variants that disrupt the consensus splice site are a relatively common cause of aberrant splicing (PMID: 17576681, 9536098). Algorithms developed to predict the effect of sequence changes on RNA splicing suggest that this variant is not likely to affect RNA splicing. In summary, the available evidence is currently insufficient to determine the role of this variant in disease. Therefore, it has been classified as a Variant of Uncertain Significance.

Literature cited by the submitters: PubMed 17576681 (cited by Labcorp Genetics (formerly Invitae), Labcorp); PubMed 9536098 (cited by Labcorp Genetics (formerly Invitae), Labcorp).

NM_001206927.2(DNAH8):c.7620+6del

Gene: DNAH8 (dynein axonemal heavy chain 8; plus strand). Cytogenetic location: 6p21.2.
Variant type: Deletion.
Coding change: c.7620+6del on transcript NM_001206927.2 (MANE Select); 6 bases into the intron after coding-DNA position 7620, one base deleted (A; older notation c.7620+6delA).
Molecular consequence: intron variant.
Genome position (GRCh38, 1-based): chr6:38,873,382, A deleted. VCF-style (leftmost placement, unchanged base first): chr6-38873381-GA-G. GRCh37 (hg19) VCF-style: chr6-38841157-GA-G.
Other names: p.?; c.6969+6del (NM_001371.4).
Identifiers: ClinVar variation 1054775 (VCV001054775.7), dbSNP rs764807072, ClinGen allele CA3789963.
Genomic context (GRCh38, chr6:38,873,381, plus strand): 5'-TGAAGCTAAATCTCAATCCCAAAATGCAGCTCTTGGAGTGCAACTATATTGTGCAAGTAA[GA>G]TTTTTTTTTGTACATTTACTACTTCGATTTTGATTTTTTTTTCACTCAGTTGCAGTTTAC-3'